The following is an entry in ClinVar:

ClinVar aggregate classification (germline): Uncertain significance (1 of 4 stars; one submission).

Conditions:
Charcot-Marie-Tooth disease type 2. Also called: Charcot-Marie-Tooth type 2. Identifiers: Orphanet 64746, MedGen C0270914, MONDO:0018993.

Submission:

Labcorp Genetics (formerly Invitae), Labcorp
Classification: Uncertain significance for Charcot-Marie-Tooth disease type 2. Last evaluated: 2021-11-14. Review status: criteria provided, single submitter. Criteria: Invitae Variant Classification Sherloc (09022015). Collection method: clinical testing. Allele origin: germline.
Comment: In summary, the available evidence is currently insufficient to determine the role of this variant in disease. Therefore, it has been classified as a Variant of Uncertain Significance. Algorithms developed to predict the effect of sequence changes on RNA splicing suggest that this variant is not likely to affect RNA splicing. This variant has not been reported in the literature in individuals affected with MED25-related conditions. This variant is not present in population databases (gnomAD no frequency). This sequence change affects codon 135 of the MED25 mRNA. It is a 'silent' change, meaning that it does not change the encoded amino acid sequence of the MED25 protein. It affects a nucleotide within the consensus splice site.

NM_030973.4(MED25):c.405T>C (p.Ile135=)

Gene: MED25 (mediator complex subunit 25; plus strand). Cytogenetic location: 19q13.33.
Variant type: single nucleotide variant.
Coding change: c.405T>C on transcript NM_030973.4 (MANE Select); coding-DNA position 405, T replaced by C.
Protein change: p.Ile135=; no amino-acid change (isoleucine 135 retained).
Molecular consequence: synonymous variant.
Genome position (GRCh38, 1-based): chr19:49,828,970, T>C. VCF-style: chr19-49828970-T-C. GRCh37 (hg19) VCF-style: chr19-50332227-T-C.
Other names: c.405T>C, p.Ile135= (NM_001378355.1).
Identifiers: ClinVar variation 1386927 (VCV001386927.6), dbSNP rs2123876614, ClinGen allele CA508140620.